The following is an entry in ClinVar:

NM_004168.4(SDHA):c.1707G>A (p.Gln569=)

Gene: SDHA (succinate dehydrogenase complex flavoprotein subunit A; plus strand). Cytogenetic location: 5p15.33.
Variant type: single nucleotide variant.
Coding change: c.1707G>A on transcript NM_004168.4 (MANE Select); coding-DNA position 1707, G replaced by A.
Protein change: p.Gln569=; no amino-acid change (glutamine 569 retained).
Molecular consequence: synonymous variant. On other transcripts: intron variant (1).
Genome position (GRCh38, 1-based): chr5:251,381, G>A. VCF-style: chr5-251381-G-A. GRCh37 (hg19) VCF-style: chr5-251496-G-A.
Other names: c.1563G>A, p.Gln521= (NM_001294332.2); c.1552-3012G>A (NM_001330758.2).
Identifiers: ClinVar variation 486379 (VCV000486379.17), dbSNP rs959934068, ClinGen allele CA112783567.

ClinVar aggregate classification (germline): Benign/Likely benign. Review status: criteria provided, multiple submitters, no conflicts (2 of 4 stars). 3 submissions from 3 submitters: Benign (1); Likely benign (2). Last evaluated 2025-03-11.

Conditions:
Mitochondrial complex II deficiency, nuclear type 1. Also called: SUCCINATE CoQ REDUCTASE DEFICIENCY. Identifiers: Orphanet 3208, MedGen C5700310, MONDO:0100294, OMIM 252011.
Pheochromocytoma/paraganglioma syndrome 5. Also called: Paragangliomas 5; SDHA-Related Hereditary Paraganglioma-Pheochromocytoma Syndrome. Identifiers: Orphanet 29072, MedGen C3279992, MONDO:0013602, OMIM 614165.
Hereditary cancer-predisposing syndrome. Also called: Neoplastic Syndromes, Hereditary; Hereditary Cancer Syndrome; Hereditary neoplastic syndrome; Tumor predisposition. Identifiers: Orphanet 140162, MedGen C0027672, MeSH D009386, MONDO:0015356.

Allele frequency attached by ClinVar (database versions not stated): gnomAD exomes below 0.00001; TOPMed below 0.00001; gnomAD 0.00001.
gnomAD v4.1: 4 of 1,613,748 alleles (0.00025%); highest among the groups gnomAD compares: African/African-American, 0.0013%; no homozygotes.

Submissions (3):

Myriad Genetics, Inc.
Classification: Benign for Pheochromocytoma/paraganglioma syndrome 5. Last evaluated: 2025-03-11. Review status: criteria provided, single submitter. Criteria: Myriad Autosomal Dominant, Autosomal Recessive and X-Linked Classification Criteria (2023). Collection method: clinical testing. Allele origin: unknown.
Comment: This variant is considered benign. This variant is a silent/synonymous amino acid change and it is not expected to impact splicing.

Labcorp Genetics (formerly Invitae), Labcorp
Classification: Likely benign for Pheochromocytoma/paraganglioma syndrome 5; Mitochondrial complex II deficiency, nuclear type 1. Last evaluated: 2024-12-08. Review status: criteria provided, single submitter. Criteria: Invitae Variant Classification Sherloc (09022015). Collection method: clinical testing. Allele origin: germline.

Ambry Genetics
Classification: Likely benign for Hereditary cancer-predisposing syndrome. Last evaluated: 2016-01-25. Review status: criteria provided, single submitter. Criteria: Ambry Variant Classification Scheme 2023. Collection method: clinical testing. Allele origin: germline.